The following is an entry in ClinVar:

ClinVar aggregate classification (germline): Uncertain significance (1 of 4 stars; one submission).

Conditions:
Hereditary cancer-predisposing syndrome. Also called: Hereditary neoplastic syndrome; Hereditary Cancer Syndrome; Neoplastic Syndromes, Hereditary; Tumor predisposition. Identifiers: Orphanet 140162, MedGen C0027672, MeSH D009386, MONDO:0015356.

Submission:

Ambry Genetics
Classification: Uncertain significance for Hereditary cancer-predisposing syndrome. Last evaluated: 2023-03-24. Review status: criteria provided, single submitter. Criteria: Ambry Variant Classification Scheme 2023. Collection method: clinical testing. Allele origin: germline.
Comment: The p.V558L variant (also known as c.1672G>T), located in coding exon 4 of the MSH6 gene, results from a G to T substitution at nucleotide position 1672. The valine at codon 558 is replaced by leucine, an amino acid with highly similar properties. This amino acid position is conserved. In addition, this alteration is predicted to be deleterious by in silico analysis. Since supporting evidence is limited at this time, the clinical significance of this alteration remains unclear.

NM_000179.3(MSH6):c.1672G>T (p.Val558Leu)

Gene: MSH6 (mutS homolog 6; plus strand). Cytogenetic location: 2p16.3.
Variant type: single nucleotide variant.
Coding change: c.1672G>T on transcript NM_000179.3 (MANE Select); coding-DNA position 1672, G replaced by T.
Protein change: p.Val558Leu; replaces valine 558 with leucine.
Molecular consequence: missense variant. On other transcripts: non-coding transcript variant (4), intron variant (2).
Genome position (GRCh38, 1-based): chr2:47,799,655, G>T. VCF-style: chr2-47799655-G-T. GRCh37 (hg19) VCF-style: chr2-48026794-G-T.
Other names: c.1282G>T, p.Val428Leu (NM_001281492.2); c.766G>T, p.Val256Leu (NM_001281493.2, NM_001281494.2, NM_001406811.1 and 6 more transcripts); c.1768G>T, p.Val590Leu (NM_001406795.1, NM_001406802.1); c.1672G>T, p.Val558Leu (NM_001406796.1, NM_001406798.1, NM_001406800.1 and 3 more transcripts); c.1375G>T, p.Val459Leu (NM_001406797.1, NM_001406801.1, NM_001406805.1 and 10 more transcripts); c.1147G>T, p.Val383Leu (NM_001406799.1, NM_001406806.1, NM_001406807.1); c.1594G>T, p.Val532Leu (NM_001406804.1); c.1678G>T, p.Val560Leu (NM_001406813.1); and 3 more; short protein forms V502L, V532L, V560L, V256L, V428L, V459L, V590L, V558L.
Identifiers: ClinVar variation 2567452 (VCV002567452.2), dbSNP rs2104359794, ClinGen allele CA346747411.